The following is an entry in ClinVar:

ClinVar aggregate classification (germline): Uncertain significance. Review status: criteria provided, multiple submitters, no conflicts (2 of 4 stars). 2 submissions from 2 submitters: Uncertain significance (2). Last evaluated 2024-12-02.

Allele frequency attached by ClinVar (database versions not stated): gnomAD 0.00002; gnomAD exomes 0.00002.
gnomAD v4.1: 25 of 1,197,802 alleles (0.0021%); highest among the groups gnomAD compares: Non-Finnish European, 0.0026%; no homozygotes.

Submissions (2):

Women's Health and Genetics/Laboratory Corporation of America, LabCorp
Classification: Uncertain significance. Last evaluated: 2024-12-02. Review status: criteria provided, single submitter. Criteria: LabCorp Variant Classification Summary - May 2015. Collection method: clinical testing. Allele origin: germline.
Comment: Variant summary: NEXMIF c.4508C>T (p.Pro1503Leu) results in a non-conservative amino acid change in the encoded protein sequence. Three of five in-silico tools predict a damaging effect of the variant on protein function. The variant was absent in 1197802 control chromosomes. The available data on variant occurrences in the general population are insufficient to allow any conclusion about variant significance. To our knowledge, no occurrence of c.4508C>T in individuals affected with Intellectual Developmental Disorder, X-Linked 98 and no experimental evidence demonstrating its impact on protein function have been reported. ClinVar contains an entry for this variant (Variation ID: 2897650). Based on the evidence outlined above, the variant was classified as uncertain significance.

Labcorp Genetics (formerly Invitae), Labcorp
Classification: Uncertain significance. Last evaluated: 2024-05-29. Review status: criteria provided, single submitter. Criteria: Invitae Variant Classification Sherloc (09022015). Collection method: clinical testing. Allele origin: germline.
Comment: This sequence change replaces proline, which is neutral and non-polar, with leucine, which is neutral and non-polar, at codon 1503 of the NEXMIF protein (p.Pro1503Leu). This variant is present in population databases (no rsID available, gnomAD 0.01%), including at least one homozygous and/or hemizygous individual. This variant has not been reported in the literature in individuals affected with NEXMIF-related conditions. An algorithm developed to predict the effect of missense changes on protein structure and function (PolyPhen-2) suggests that this variant is likely to be disruptive. In summary, the available evidence is currently insufficient to determine the role of this variant in disease. Therefore, it has been classified as a Variant of Uncertain Significance.

NM_001008537.3(NEXMIF):c.4508C>T (p.Pro1503Leu)

Gene: NEXMIF (neurite extension and migration factor; minus strand). Cytogenetic location: Xq13.3.
Variant type: single nucleotide variant.
Coding change: c.4508C>T on transcript NM_001008537.3 (MANE Select); coding-DNA position 4508, C replaced by T.
Protein change: p.Pro1503Leu; replaces proline 1503 with leucine.
Molecular consequence: missense variant.
Genome position (GRCh38, 1-based): chrX:74,739,448, G>A on the plus strand (C>T on the coding strand, the complement: NEXMIF is on the minus strand). VCF-style: chrX-74739448-G-A. GRCh37 (hg19) VCF-style: chrX-73959283-G-A.
Other names: short protein forms P1503L.
Identifiers: ClinVar variation 2897650 (VCV002897650.4), dbSNP rs973158487, ClinGen allele CA331301643.